The following is an entry in ClinVar:

ClinVar aggregate classification (germline): Uncertain significance. Review status: criteria provided, single submitter (1 of 4 stars). 2 submissions from 2 submitters: Uncertain significance (1). 1 of the submissions does not count toward it. Last evaluated 2020-03-31.

Conditions:
CFTR-related disorder (CFTR-RD). Also called: CFTR-related condition; CFTR-related disorders. Identifiers: MedGen C5924204, MONDO:7770004.

Submissions (2):

ARUP Laboratories, Molecular Genetics and Genomics, ARUP Laboratories
Classification: Uncertain significance. Last evaluated: 2020-03-31. Review status: criteria provided, single submitter. Criteria: ARUP Molecular Germline Variant Investigation Process. Collection method: clinical testing. Allele origin: germline.
Comment: The CFTR c.3423T>G; p.Ser1141Arg variant, to our knowledge, is not reported in the medical literature in association with disease but is reported in the ABCM2 database (see link). This variant is absent from general population databases (Exome Variant Server, Genome Aggregation Database), indicating it is not a common polymorphism. The serine at codon 1141 is weakly conserved, and computational analyses (SIFT: damaging, PolyPhen-2: benign) predict conflicting effects of this variant on protein structure/function. Due to limited information, the clinical significance of the p.Ser1141Arg variant is uncertain at this time. References: Link to ABCM2 database

Natera, Inc.
Classification: Uncertain significance for CFTR-related disorders. Last evaluated: 2019-09-17. Review status: no assertion criteria provided. Collection method: clinical testing. Allele origin: germline. Not counted in ClinVar's aggregate classification.

NM_000492.4(CFTR):c.3423T>G (p.Ser1141Arg)

Genes: CFTR (CF transmembrane conductance regulator; plus strand), CFTR-AS2 (CFTR antisense RNA 2; minus strand). Cytogenetic location: 7q31.2.
Variant type: single nucleotide variant.
Coding change: c.3423T>G on transcript NM_000492.4 (MANE Select); coding-DNA position 3423, T replaced by G.
Protein change: p.Ser1141Arg; replaces serine 1141 with arginine.
Molecular consequence: missense variant.
Genome position (GRCh38, 1-based): chr7:117,614,668, T>G. VCF-style: chr7-117614668-T-G. GRCh37 (hg19) VCF-style: chr7-117254722-T-G.
Other names: short protein forms S1141R.
Identifiers: ClinVar variation 994117 (VCV000994117.9), dbSNP rs748284173, ClinGen allele CA368993538.